The following is an entry in ClinVar:

ClinVar aggregate classification (germline): Uncertain significance (1 of 4 stars; one submission).

Submission:

GeneDx
Classification: Uncertain significance. Last evaluated: 2023-11-11. Review status: criteria provided, single submitter. Criteria: GeneDx Variant Classification Process June 2021. Collection method: clinical testing. Allele origin: germline. Affected: yes.
Comment: Not observed at significant frequency in large population cohorts (gnomAD); In silico analysis supports that this missense variant has a deleterious effect on protein structure/function; Has not been previously published as pathogenic or benign to our knowledge

NM_001288705.3(CSF1R):c.2510A>T (p.Asp837Val)

Gene: CSF1R (colony stimulating factor 1 receptor; minus strand). Cytogenetic location: 5q32.
Variant type: single nucleotide variant.
Coding change: c.2510A>T on transcript NM_001288705.3 (MANE Select); coding-DNA position 2510, A replaced by T.
Protein change: p.Asp837Val; replaces aspartic acid 837 with valine.
Molecular consequence: missense variant. On other transcripts: non-coding transcript variant (2).
Genome position (GRCh38, 1-based): chr5:150,056,070, T>A on the plus strand (A>T on the coding strand, the complement: CSF1R is on the minus strand). VCF-style: chr5-150056070-T-A. GRCh37 (hg19) VCF-style: chr5-149435633-T-A.
Other names: c.2510A>T, p.Asp837Val (NM_001349736.2, NM_001375320.1, NM_005211.4); c.2066A>T, p.Asp689Val (NM_001375321.1); short protein forms D689V, D837V.
Identifiers: ClinVar variation 3363782 (VCV003363782.1).